The following is an entry in ClinVar:

ClinVar aggregate classification (germline): Uncertain significance (1 of 4 stars; one submission).

Conditions:
Carnitine palmitoyltransferase II deficiency. Also called: Carnitine Palmitoyltransferase 2 Deficiency. Identifiers: Orphanet 157, MedGen C0342790, MONDO:0015515.

Submission:

Labcorp Genetics (formerly Invitae), Labcorp
Classification: Uncertain significance for Carnitine palmitoyltransferase II deficiency. Last evaluated: 2022-07-26. Review status: criteria provided, single submitter. Criteria: Invitae Variant Classification Sherloc (09022015). Collection method: clinical testing. Allele origin: germline.
Comment: This sequence change replaces proline, which is neutral and non-polar, with serine, which is neutral and polar, at codon 229 of the CPT2 protein (p.Pro229Ser). This variant is not present in population databases (gnomAD no frequency). This variant has not been reported in the literature in individuals affected with CPT2-related conditions. Advanced modeling of protein sequence and biophysical properties (such as structural, functional, and spatial information, amino acid conservation, physicochemical variation, residue mobility, and thermodynamic stability) performed at Invitae indicates that this missense variant is not expected to disrupt CPT2 protein function. In summary, the available evidence is currently insufficient to determine the role of this variant in disease. Therefore, it has been classified as a Variant of Uncertain Significance.

NM_000098.3(CPT2):c.685C>T (p.Pro229Ser)

Gene: CPT2 (carnitine palmitoyltransferase 2; plus strand). Cytogenetic location: 1p32.3.
Variant type: single nucleotide variant.
Coding change: c.685C>T on transcript NM_000098.3 (MANE Select); coding-DNA position 685, C replaced by T.
Protein change: p.Pro229Ser; replaces proline 229 with serine.
Molecular consequence: missense variant.
Genome position (GRCh38, 1-based): chr1:53,210,359, C>T. VCF-style: chr1-53210359-C-T. GRCh37 (hg19) VCF-style: chr1-53676031-C-T.
Other names: c.685C>T, p.Pro229Ser (NM_001330589.2); short protein forms P229S.
Identifiers: ClinVar variation 2096224 (VCV002096224.4), dbSNP rs2525587488, ClinGen allele CA340393271.